The following is an entry in ClinVar:

NM_001378030.1(CCDC78):c.371C>A (p.Ala124Glu)

Gene: CCDC78 (coiled-coil domain containing 78; minus strand). Cytogenetic location: 16p13.3.
Variant type: single nucleotide variant.
Coding change: c.371C>A on transcript NM_001378030.1 (MANE Select); coding-DNA position 371, C replaced by A.
Protein change: p.Ala124Glu; replaces alanine 124 with glutamic acid.
Molecular consequence: missense variant. On other transcripts: non-coding transcript variant (5), intron variant (1).
Genome position (GRCh38, 1-based): chr16:725,477, G>T on the plus strand (C>A on the coding strand, the complement: CCDC78 is on the minus strand). VCF-style: chr16-725477-G-T. GRCh37 (hg19) VCF-style: chr16-775477-G-T.
Other names: c.371C>A, p.Ala124Glu (NM_001031737.3, NM_001378031.1); c.-18-184C>A (NM_001378033.1); short protein forms A124E.
Identifiers: ClinVar variation 2768428 (VCV002768428.3), dbSNP rs775953299, ClinGen allele CA7789635.

ClinVar aggregate classification (germline): Uncertain significance (1 of 4 stars; one submission).

Conditions:
Congenital myopathy with internal nuclei and atypical cores. Also called: Myopathy, centronuclear, 4. Identifiers: Orphanet 319160, MedGen C4707232, MONDO:0013890, OMIM 614807.

Allele frequency attached by ClinVar (database versions not stated): TOPMed below 0.00001; ExAC 0.00001; gnomAD 0.00001.
gnomAD v4.1: 3 of 1,612,616 alleles (0.00019%); highest among the groups gnomAD compares: African/African-American, 0.004%; no homozygotes.

Submission:

Labcorp Genetics (formerly Invitae), Labcorp
Classification: Uncertain significance for Congenital myopathy with internal nuclei and atypical cores. Last evaluated: 2023-08-14. Review status: criteria provided, single submitter. Criteria: Invitae Variant Classification Sherloc (09022015). Collection method: clinical testing. Allele origin: germline.
Comment: In summary, the available evidence is currently insufficient to determine the role of this variant in disease. Therefore, it has been classified as a Variant of Uncertain Significance. Advanced modeling of protein sequence and biophysical properties (such as structural, functional, and spatial information, amino acid conservation, physicochemical variation, residue mobility, and thermodynamic stability) performed at Invitae indicates that this missense variant is not expected to disrupt CCDC78 protein function. This variant has not been reported in the literature in individuals affected with CCDC78-related conditions. This variant is present in population databases (rs775953299, gnomAD 0.0009%). This sequence change replaces alanine, which is neutral and non-polar, with glutamic acid, which is acidic and polar, at codon 124 of the CCDC78 protein (p.Ala124Glu).